The following is an entry in ClinVar:

NM_032737.4(LMNB2):c.29G>C (p.Arg10Pro)

Genes: LMNB2 (lamin B2; minus strand), LOC130063066 (ATAC-STARR-seq lymphoblastoid silent region 9792; plus strand). Cytogenetic location: 19p13.3.
Variant type: single nucleotide variant.
Coding change: c.29G>C on transcript NM_032737.4 (MANE Select); coding-DNA position 29, G replaced by C.
Protein change: p.Arg10Pro; replaces arginine 10 with proline.
Molecular consequence: missense variant.
Genome position (GRCh38, 1-based): chr19:2,456,905, C>G on the plus strand (G>C on the coding strand, the complement: LMNB2 is on the minus strand). VCF-style: chr19-2456905-C-G. GRCh37 (hg19) VCF-style: chr19-2456903-C-G.
Other names: short protein forms R10P.
Identifiers: ClinVar variation 1418135 (VCV001418135.8), dbSNP rs984068789, ClinGen allele CA304250265.

ClinVar aggregate classification (germline): Uncertain significance (1 of 4 stars; one submission).

Conditions:
Lipodystrophy, partial, acquired, susceptibility to (APLD). Also called: APLD, SUSCEPTIBILITY TO. Identifiers: MedGen C3887501, MONDO:0100476, OMIM 608709.
Progressive myoclonic epilepsy type 9. Identifiers: Orphanet 457265, MedGen C4225289, MONDO:0014685, OMIM 616540.

Allele frequency attached by ClinVar (database versions not stated): gnomAD 0.00001.
gnomAD v4.1: 5 of 1,008,806 alleles (0.0005%); highest among the groups gnomAD compares: Non-Finnish European, 0.00047%; no homozygotes.

Submission:

Labcorp Genetics (formerly Invitae), Labcorp
Classification: Uncertain significance for Progressive myoclonic epilepsy type 9; Lipodystrophy, partial, acquired, susceptibility to. Last evaluated: 2021-02-02. Review status: criteria provided, single submitter. Criteria: Invitae Variant Classification Sherloc (09022015). Collection method: clinical testing. Allele origin: germline.
Comment: This sequence change replaces arginine with proline at codon 10 of the LMNB2 protein (p.Arg10Pro). The arginine residue is weakly conserved and there is a moderate physicochemical difference between arginine and proline. The frequency data for this variant in the population databases is considered unreliable, as metrics indicate insufficient coverage at this position in the ExAC database. In summary, the available evidence is currently insufficient to determine the role of this variant in disease. Therefore, it has been classified as a Variant of Uncertain Significance. Algorithms developed to predict the effect of missense changes on protein structure and function are either unavailable or do not agree on the potential impact of this missense change (SIFT: "Tolerated"; PolyPhen-2: "Not Available"; Align-GVGD: "Class C0"). This variant has not been reported in the literature in individuals with LMNB2-related conditions.